The following is an entry in ClinVar:

ClinVar aggregate classification (germline): Uncertain significance (1 of 4 stars; one submission).

Allele frequency attached by ClinVar (database versions not stated): gnomAD exomes 0.00001.
gnomAD v4.1: 16 of 1,610,864 alleles (0.00099%); highest among the groups gnomAD compares: Non-Finnish European, 0.0014%; no homozygotes.

Submission:

Labcorp Genetics (formerly Invitae), Labcorp
Classification: Uncertain significance. Last evaluated: 2023-08-04. Review status: criteria provided, single submitter. Criteria: Invitae Variant Classification Sherloc (09022015). Collection method: clinical testing. Allele origin: germline.
Comment: This sequence change falls in intron 2 of the NDUFA12 gene. It does not directly change the encoded amino acid sequence of the NDUFA12 protein. It affects a nucleotide within the consensus splice site. This variant is not present in population databases (gnomAD no frequency). This variant has not been reported in the literature in individuals affected with NDUFA12-related conditions. ClinVar contains an entry for this variant (Variation ID: 2090992). Variants that disrupt the consensus splice site are a relatively common cause of aberrant splicing (PMID: 17576681, 9536098). Algorithms developed to predict the effect of sequence changes on RNA splicing suggest that this variant may create or strengthen a splice site. In summary, the available evidence is currently insufficient to determine the role of this variant in disease. Therefore, it has been classified as a Variant of Uncertain Significance.

Literature cited by the submitters: PubMed 17576681; PubMed 9536098.

NM_018838.5(NDUFA12):c.169+4A>G

Gene: NDUFA12 (NADH:ubiquinone oxidoreductase subunit A12; minus strand). Cytogenetic location: 12q22.
Variant type: single nucleotide variant.
Coding change: c.169+4A>G on transcript NM_018838.5 (MANE Select); 4 bases into the intron after coding-DNA position 169, A replaced by G.
Molecular consequence: intron variant.
Genome position (GRCh38, 1-based): chr12:95,002,735, T>C on the plus strand (A>G on the coding strand, the complement: NDUFA12 is on the minus strand). VCF-style: chr12-95002735-T-C. GRCh37 (hg19) VCF-style: chr12-95396511-T-C.
Other names: c.169+4A>G (NM_001258338.2).
Identifiers: ClinVar variation 2090992 (VCV002090992.4), dbSNP rs753099283, ClinGen allele CA241296594.